The following is an entry in ClinVar:

ClinVar aggregate classification (germline): Uncertain significance (1 of 4 stars; one submission).

Conditions:
Neurodevelopmental disorder. Identifiers: MedGen C1535926, MeSH D065886, MONDO:0700092.

Submission:

Victorian Clinical Genetics Services, Murdoch Childrens Research Institute
Classification: Uncertain significance for Neurodevelopmental disorder. Last evaluated: 2025-12-18. Review status: criteria provided, single submitter. Criteria: ACMG Guidelines, 2015. Collection method: clinical testing. Allele origin: germline. Affected: yes.
Comment: This variant is classified as VUS-3B. Evidence in support of pathogenic classification: Variant is absent from gnomAD (v2, v3 and v4). Additional information: Variant is predicted to result in a missense amino acid change from Met to Val; This variant is heterozygous; This gene is associated with autosomal dominant disease; An alternative amino acid change at the same position is present in gnomAD (highest allele count: v4: 1 heterozygote(s), 0 homozygote(s)); This variant has no previous evidence of pathogenicity; No published evidence of segregation with disease has been identified for this variant; No published functional evidence has been identified for this variant; No comparable missense variants have previous evidence for pathogenicity; Variant is located in the annotated PWWP domain (DECIPHER); Missense variant with inconclusive in silico prediction and/or uninformative conservation; Loss of function is a known mechanism of disease in this gene and is associated with neurodevelopmental disorder, ZMYND8-related (MONDO#0700092).

Literature cited by the submitters: PubMed 35916866.

NM_001281775.3(ZMYND8):c.1030A>G (p.Met344Val)

Gene: ZMYND8 (zinc finger MYND-type containing 8; minus strand). Cytogenetic location: 20q13.12.
Variant type: single nucleotide variant.
Coding change: c.1030A>G on transcript NM_001281775.3 (MANE Select); coding-DNA position 1030, A replaced by G.
Protein change: p.Met344Val; replaces methionine 344 with valine.
Molecular consequence: missense variant.
Genome position (GRCh38, 1-based): chr20:47,276,764, T>C on the plus strand (A>G on the coding strand, the complement: ZMYND8 is on the minus strand). VCF-style: chr20-47276764-T-C. GRCh37 (hg19) VCF-style: chr20-45905508-T-C.
Other names: c.955A>G, p.Met319Val (NM_001281771.3, NM_001281777.3, NM_001281778.3 and 4 more transcripts); c.970A>G, p.Met324Val (NM_001281772.3, NM_001281773.3, NM_001281774.3 and 1 more transcripts); c.1030A>G, p.Met344Val (NM_001281776.3, NM_001281783.3, NM_012408.6 and 1 more transcripts); c.226A>G, p.Met76Val (NM_001281779.3, NM_001281780.3); c.1051A>G, p.Met351Val (NM_001363714.1); short protein forms M319V, M324V, M344V, M351V, M76V.
Identifiers: ClinVar variation 4818964 (VCV004818964.1).